The following is an entry in ClinVar:

NM_004168.4(SDHA):c.312+4A>C

Gene: SDHA (succinate dehydrogenase complex flavoprotein subunit A; plus strand). Cytogenetic location: 5p15.33.
Variant type: single nucleotide variant.
Coding change: c.312+4A>C on transcript NM_004168.4 (MANE Select); 4 bases into the intron after coding-DNA position 312, A replaced by C.
Molecular consequence: intron variant.
Genome position (GRCh38, 1-based): chr5:224,525, A>C. VCF-style: chr5-224525-A-C. GRCh37 (hg19) VCF-style: chr5-224640-A-C.
Other names: c.312+4A>C (NM_001330758.2, NM_001294332.2).
Identifiers: ClinVar variation 1727857 (VCV001727857.7), dbSNP rs747036101, ClinGen allele CA2580073090.
Genomic context (GRCh38, chr5:224,525, plus strand): 5'-AATACAGCATGTGTTACCAAGCTGTTTCCTACCAGGTCACACACTGTTGCAGCACAGGTA[A>C]GAGAAAGGTGCCCCACTGTGCTCCCACTCCGTGCAGGTCCCGCGCAGCCTCGCACTTTCT-3'

ClinVar aggregate classification (germline): Uncertain significance. Review status: criteria provided, multiple submitters, no conflicts (2 of 4 stars). 2 submissions from 2 submitters: Uncertain significance (2). Last evaluated 2022-04-10.

Conditions:
Mitochondrial complex II deficiency, nuclear type 1. Also called: SUCCINATE CoQ REDUCTASE DEFICIENCY. Identifiers: Orphanet 3208, MedGen C5700310, MONDO:0100294, OMIM 252011.
Pheochromocytoma/paraganglioma syndrome 5. Also called: Paragangliomas 5; SDHA-Related Hereditary Paraganglioma-Pheochromocytoma Syndrome. Identifiers: Orphanet 29072, MedGen C3279992, MONDO:0013602, OMIM 614165.
Hereditary cancer-predisposing syndrome. Also called: Hereditary Cancer Syndrome; Hereditary neoplastic syndrome; Neoplastic Syndromes, Hereditary; Tumor predisposition. Identifiers: Orphanet 140162, MedGen C0027672, MeSH D009386, MONDO:0015356.

Submissions (2):

Labcorp Genetics (formerly Invitae), Labcorp
Classification: Uncertain significance for Pheochromocytoma/paraganglioma syndrome 5; Mitochondrial complex II deficiency, nuclear type 1. Last evaluated: 2022-04-10. Review status: criteria provided, single submitter. Criteria: Invitae Variant Classification Sherloc (09022015). Collection method: clinical testing. Allele origin: germline.
Comment: In summary, the available evidence is currently insufficient to determine the role of this variant in disease. Therefore, it has been classified as a Variant of Uncertain Significance. Variants that disrupt the consensus splice site are a relatively common cause of aberrant splicing (PMID: 17576681, 9536098). Algorithms developed to predict the effect of sequence changes on RNA splicing suggest that this variant is not likely to affect RNA splicing. This variant has not been reported in the literature in individuals affected with SDHA-related conditions. This variant is not present in population databases (gnomAD no frequency). This sequence change falls in intron 3 of the SDHA gene. It does not directly change the encoded amino acid sequence of the SDHA protein. It affects a nucleotide within the consensus splice site.

Ambry Genetics
Classification: Uncertain significance for Hereditary cancer-predisposing syndrome. Last evaluated: 2022-02-15. Review status: criteria provided, single submitter. Criteria: Ambry Variant Classification Scheme 2023. Collection method: clinical testing. Allele origin: germline.
Comment: The c.312+4A>C intronic variant results from an A to C substitution 4 nucleotides after coding exon 3 in the SDHA gene. This nucleotide position is not well conserved in available vertebrate species. In silico splice site analysis predicts that this alteration will not have any significant effect on splicing. Since supporting evidence is limited at this time, the clinical significance of this alteration remains unclear.

Literature cited by the submitters: PubMed 17576681 (cited by Labcorp Genetics (formerly Invitae), Labcorp); PubMed 9536098 (cited by Labcorp Genetics (formerly Invitae), Labcorp).